The following is an entry in ClinVar:

ClinVar aggregate classification (germline): Uncertain significance (1 of 4 stars; one submission).

Submission:

Center for Genomics, Ann and Robert H. Lurie Children's Hospital of Chicago
Classification: Uncertain significance. Last evaluated: 2021-03-30. Review status: criteria provided, single submitter. Criteria: ACMG Guidelines, 2015. Collection method: clinical testing. Allele origin: germline.
Comment: MYO18A NM_078471.3 exon 42 p.Thr2045Argfs*8 (c.6134_6135del): This variant has not been reported in the literature and is present in 0.4% (97/24196) of African alleles in the Genome Aggregation Database. Evolutionary conservation and computational predictive tools for this variant are limited or unavailable. This variant is a deletion of 2 nucleotides and creates a premature stop codon 8 amino acids downstream from this location which results in an absent or abnormal protein. However, there is insufficient evidence to establish loss of function (LOF) as a known mechanism of disease. In addition, this variant occurs within the last exon of this gene; due to its position, it is possible that this protein may escape nonsense mediated decay. Further studies are needed to understand its impact. In summary, data on this variant is insufficient for disease classification. Therefore, the clinical significance of this variant is uncertain.

NM_078471.4(MYO18A):c.6129_6130del (p.Ser2043fs)

Gene: MYO18A (myosin XVIIIA; minus strand). Cytogenetic location: 17q11.2.
Variant type: Deletion.
Coding change: c.6129_6130del on transcript NM_078471.4 (MANE Select); coding-DNA positions 6129 to 6130, 2 bases deleted (CG; older notation c.6129_6130delCG).
Protein change: p.Ser2043fs; shifts the reading frame from serine 2043.
Molecular consequence: frameshift variant.
Genome position (GRCh38, 1-based): chr17:29,074,805-29,074,806, CG deleted on the plus strand (CG on the coding strand, the reverse complement: MYO18A is on the minus strand); deleting any 2 consecutive bases within chr17:29,074,805-29,074,807 gives the same sequence; the c. name uses the placement nearest the transcript's 3' end. VCF-style (leftmost placement, unchanged base first): chr17-29074804-TCG-T. GRCh37 (hg19) VCF-style: chr17-27401822-TCG-T.
Other names: c.6141_6142del, p.Ser2047fs (NM_001346765.2); c.6120_6121del, p.Ser2040fs (NM_001346766.2); c.5973_5974del, p.Ser1991fs (NM_001346767.2); c.4710_4711del, p.Ser1570fs (NM_001346768.2); c.6084_6085del, p.Ser2028fs (NM_203318.2); short protein forms S1570fs, S1991fs, S2028fs, S2040fs, S2043fs, S2047fs.
Identifiers: ClinVar variation 2501804 (VCV002501804.1), dbSNP rs2545419748, ClinGen allele CA2580614033.
Genomic context (GRCh38, chr17:29,074,804, plus strand): 5'-AGAGGGCTGCCAACCACTCCCCTGGGCTATGCGTTAGTCTCCGTCAGCTTGGCCTCTGTG[TCG>T]CTGTCACTCAGATAACTGTGGGAGTATCGCGGTCTGGAGGTGTTGTCGAGAGGGTCGTGC-3'